The following is an entry in ClinVar:

ClinVar aggregate classification (germline): Uncertain significance. Review status: criteria provided, multiple submitters, no conflicts (2 of 4 stars). 2 submissions from 2 submitters: Uncertain significance (2). Last evaluated 2024-09-15.

Conditions:
Familial adenomatous polyposis 1 (FAP1). Also called: FAMILIAL ADENOMATOUS POLYPOSIS 1, ATTENUATED; POLYPOSIS, ADENOMATOUS INTESTINAL. Identifiers: MedGen C2713442, MONDO:0021056, OMIM 175100. Disease mechanism: loss of function.
Hereditary cancer-predisposing syndrome. Also called: Neoplastic Syndromes, Hereditary; Tumor predisposition; Hereditary neoplastic syndrome; Hereditary Cancer Syndrome. Identifiers: Orphanet 140162, MedGen C0027672, MeSH D009386, MONDO:0015356.

Allele frequency attached by ClinVar (database versions not stated): TOPMed below 0.00001.

Submissions (2):

Labcorp Genetics (formerly Invitae), Labcorp
Classification: Uncertain significance for Familial adenomatous polyposis 1. Last evaluated: 2024-09-15. Review status: criteria provided, single submitter. Criteria: Invitae Variant Classification Sherloc (09022015). Collection method: clinical testing. Allele origin: germline.
Comment: This sequence change replaces serine, which is neutral and polar, with asparagine, which is neutral and polar, at codon 127 of the APC protein (p.Ser127Asn). This variant is not present in population databases (gnomAD no frequency). This variant has not been reported in the literature in individuals affected with APC-related conditions. ClinVar contains an entry for this variant (Variation ID: 568580). Invitae Evidence Modeling of protein sequence and biophysical properties (such as structural, functional, and spatial information, amino acid conservation, physicochemical variation, residue mobility, and thermodynamic stability) indicates that this missense variant is not expected to disrupt APC protein function with a negative predictive value of 95%. In summary, the available evidence is currently insufficient to determine the role of this variant in disease. Therefore, it has been classified as a Variant of Uncertain Significance.

Ambry Genetics
Classification: Uncertain significance for Hereditary cancer-predisposing syndrome. Last evaluated: 2019-12-10. Review status: criteria provided, single submitter. Criteria: Ambry Variant Classification Scheme 2023. Collection method: clinical testing. Allele origin: germline.
Comment: The p.S127N variant (also known as c.380G>A), located in coding exon 3 of the APC gene, results from a G to A substitution at nucleotide position 380. The serine at codon 127 is replaced by asparagine, an amino acid with highly similar properties. This amino acid position is highly conserved in available vertebrate species. In addition, in silico predictors for this gene do not accurately predict pathogenicity. Since supporting evidence is limited at this time, the clinical significance of this alteration remains unclear.

NM_000038.6(APC):c.380G>A (p.Ser127Asn)

Gene: APC (APC regulator of Wnt signaling pathway; plus strand). Cytogenetic location: 5q22.2.
Variant type: single nucleotide variant.
Coding change: c.380G>A on transcript NM_000038.6 (MANE Select); coding-DNA position 380, G replaced by A.
Protein change: p.Ser127Asn; replaces serine 127 with asparagine.
Molecular consequence: missense variant. On other transcripts: 5 prime UTR variant (1).
Genome position (GRCh38, 1-based): chr5:112,767,348, G>A. VCF-style: chr5-112767348-G-A. GRCh37 (hg19) VCF-style: chr5-112103045-G-A.
Other names: c.380G>A, p.Ser127Asn (NM_001127510.3, NM_001354895.2, NM_001354896.2 and 2 more transcripts); c.410G>A, p.Ser137Asn (NM_001127511.3, NM_001354897.2, NM_001354902.2); c.305G>A, p.Ser102Asn (NM_001354898.2, NM_001354904.2); c.203G>A, p.Ser68Asn (NM_001354900.2, NM_001354901.2, NM_001354905.2); c.-656G>A (NM_001354906.2); short protein forms S137N, S127N, S102N, S68N.
Identifiers: ClinVar variation 568580 (VCV000568580.16), dbSNP rs1414642619, ClinGen allele CA16022147.